The following is an entry in ClinVar:

ClinVar aggregate classification (germline): Uncertain significance (1 of 4 stars; one submission).

Allele frequency attached by ClinVar (database versions not stated): gnomAD exomes below 0.00001; ExAC 0.00001; gnomAD 0.00001.
gnomAD v4.1: 2 of 1,613,762 alleles (0.00012%); highest among the groups gnomAD compares: East Asian, 0.0045%; no homozygotes.

Submission:

Ambry Genetics
Classification: Uncertain significance. Last evaluated: 2023-11-24. Review status: criteria provided, single submitter. Criteria: Ambry Variant Classification Scheme 2023. Collection method: clinical testing. Allele origin: germline.
Comment: The p.S656P variant (also known as c.1966T>C), located in coding exon 13 of the NPAT gene, results from a T to C substitution at nucleotide position 1966. The serine at codon 656 is replaced by proline, an amino acid with similar properties. This amino acid position is conserved. In addition, this alteration is predicted to be tolerated by in silico analysis. Since supporting evidence is limited at this time, the clinical significance of this alteration remains unclear.

NM_002519.3(NPAT):c.1966T>C (p.Ser656Pro)

Gene: NPAT (nuclear protein, coactivator of histone transcription; minus strand). Cytogenetic location: 11q22.3.
Variant type: single nucleotide variant.
Coding change: c.1966T>C on transcript NM_002519.3 (MANE Select); coding-DNA position 1966, T replaced by C.
Protein change: p.Ser656Pro; replaces serine 656 with proline.
Molecular consequence: missense variant.
Genome position (GRCh38, 1-based): chr11:108,173,018, A>G on the plus strand (T>C on the coding strand, the complement: NPAT is on the minus strand). VCF-style: chr11-108173018-A-G. GRCh37 (hg19) VCF-style: chr11-108043745-A-G.
Other names: c.1966T>C, p.Ser656Pro (NM_001321307.1); short protein forms S656P.
Identifiers: ClinVar variation 3222502 (VCV003222502.1), dbSNP rs748128596, ClinGen allele CA6263913.